The following is an entry in ClinVar:

NM_005733.3(KIF20A):c.1397G>A (p.Arg466Gln)

Gene: KIF20A (kinesin family member 20A; plus strand). Cytogenetic location: 5q31.2.
Variant type: single nucleotide variant.
Coding change: c.1397G>A on transcript NM_005733.3 (MANE Select); coding-DNA position 1397, G replaced by A.
Protein change: p.Arg466Gln; replaces arginine 466 with glutamine.
Molecular consequence: missense variant.
Genome position (GRCh38, 1-based): chr5:138,184,283, G>A. VCF-style: chr5-138184283-G-A. GRCh37 (hg19) VCF-style: chr5-137519972-G-A.
Other names: short protein forms R466Q.
Identifiers: ClinVar variation 4779569 (VCV004779569.1).

ClinVar aggregate classification (germline): Uncertain significance (1 of 4 stars; one submission).

gnomAD v4.1: 3 of 1,614,126 alleles (0.00019%); highest among the groups gnomAD compares: East Asian, 0.0022%; no homozygotes.

Submission:

Labcorp Genetics (formerly Invitae), Labcorp
Classification: Uncertain significance. Last evaluated: 2025-02-25. Review status: criteria provided, single submitter. Criteria: Invitae Variant Classification Sherloc (09022015). Collection method: clinical testing. Allele origin: germline.
Comment: This sequence change replaces arginine, which is basic and polar, with glutamine, which is neutral and polar, at codon 466 of the KIF20A protein (p.Arg466Gln). This variant is present in population databases (rs112052250, gnomAD 0.007%). This variant has not been reported in the literature in individuals affected with KIF20A-related conditions. An algorithm developed to predict the effect of missense changes on protein structure and function (PolyPhen-2) suggests that this variant is likely to be disruptive. In summary, the available evidence is currently insufficient to determine the role of this variant in disease. Therefore, it has been classified as a Variant of Uncertain Significance.